The following is an entry in ClinVar:

NM_003922.4(HERC1):c.9780C>T (p.Ile3260=)

Gene: HERC1 (HECT and RLD domain containing E3 ubiquitin protein ligase family member 1; minus strand). Cytogenetic location: 15q22.31.
Variant type: single nucleotide variant.
Coding change: c.9780C>T on transcript NM_003922.4 (MANE Select); coding-DNA position 9780, C replaced by T.
Protein change: p.Ile3260=; no amino-acid change (isoleucine 3260 retained).
Molecular consequence: synonymous variant.
Genome position (GRCh38, 1-based): chr15:63,656,178, G>A on the plus strand (C>T on the coding strand, the complement: HERC1 is on the minus strand). VCF-style: chr15-63656178-G-A. GRCh37 (hg19) VCF-style: chr15-63948377-G-A.
Identifiers: ClinVar variation 4535274 (VCV004535274.6).

ClinVar aggregate classification (germline): Likely benign (1 of 4 stars; one submission).

gnomAD v4.1: 1 of 1,612,720 alleles (0.000062%); highest among the groups gnomAD compares: South Asian, 0.0011%; no homozygotes.

Submission:

CeGaT Center for Human Genetics Tuebingen
Classification: Likely benign. Last evaluated: 2025-11-01. Review status: criteria provided, single submitter. Criteria: CeGaT Center For Human Genetics Tuebingen Variant Classification Criteria Version 2. Collection method: clinical testing. Allele origin: germline. Affected: yes. Observed: 1 variant allele.
Comment: HERC1: BP4, BP7